The following is an entry in ClinVar:

NM_001080517.3(SETD5):c.1270C>T (p.Pro424Ser)

Gene: SETD5 (SET domain containing 5; plus strand). Cytogenetic location: 3p25.3.
Variant type: single nucleotide variant.
Coding change: c.1270C>T on transcript NM_001080517.3 (MANE Select); coding-DNA position 1270, C replaced by T.
Protein change: p.Pro424Ser; replaces proline 424 with serine.
Molecular consequence: missense variant.
Genome position (GRCh38, 1-based): chr3:9,445,130, C>T. VCF-style: chr3-9445130-C-T. GRCh37 (hg19) VCF-style: chr3-9486814-C-T.
Other names: c.976C>T, p.Pro326Ser (NM_001292043.2, NM_001349451.2); short protein forms P424S, P326S.
Identifiers: ClinVar variation 2473815 (VCV002473815.3), dbSNP rs2041780895, ClinGen allele CA351692471.

ClinVar aggregate classification (germline): Uncertain significance. Review status: criteria provided, multiple submitters, no conflicts (2 of 4 stars). 2 submissions from 2 submitters: Uncertain significance (2). Last evaluated 2025-02-26.

Conditions:
Inborn genetic diseases. Identifiers: MedGen C0950123, MeSH D030342.

Allele frequency attached by ClinVar (database versions not stated): TOPMed 0.00001.

Submissions (2):

Labcorp Genetics (formerly Invitae), Labcorp
Classification: Uncertain significance. Last evaluated: 2025-02-26. Review status: criteria provided, single submitter. Criteria: Invitae Variant Classification Sherloc (09022015). Collection method: clinical testing. Allele origin: germline.
Comment: This sequence change replaces proline, which is neutral and non-polar, with serine, which is neutral and polar, at codon 424 of the SETD5 protein (p.Pro424Ser). This variant is not present in population databases (gnomAD no frequency). This variant has not been reported in the literature in individuals affected with SETD5-related conditions. ClinVar contains an entry for this variant (Variation ID: 2473815). Invitae Evidence Modeling of protein sequence and biophysical properties (such as structural, functional, and spatial information, amino acid conservation, physicochemical variation, residue mobility, and thermodynamic stability) indicates that this missense variant is not expected to disrupt SETD5 protein function with a negative predictive value of 80%. In summary, the available evidence is currently insufficient to determine the role of this variant in disease. Therefore, it has been classified as a Variant of Uncertain Significance.

Ambry Genetics
Classification: Uncertain significance for Inborn genetic diseases. Last evaluated: 2023-02-01. Review status: criteria provided, single submitter. Criteria: Ambry Variant Classification Scheme 2023. Collection method: clinical testing. Allele origin: germline.